The following is an entry in ClinVar:

ClinVar aggregate classification (germline): Likely pathogenic (1 of 4 stars; one submission).

Conditions:
Primary dilated cardiomyopathy (DCM). Also called: Dilated Cardiomyopathy. Identifiers: Orphanet 217604, MedGen C0007193, MeSH D002311, MONDO:0005021, HP:0001644. Inheritance: Various modes of inheritance.

Submission:

Victorian Clinical Genetics Services, Murdoch Childrens Research Institute
Classification: Likely pathogenic for Primary dilated cardiomyopathy. Last evaluated: 2024-10-10. Review status: criteria provided, single submitter. Criteria: ACMG Guidelines, 2015. Collection method: clinical testing. Allele origin: germline. Inheritance: Autosomal dominant inheritance.
Comment: Based on the classification scheme VCGS_Germline_v1.3.5, this variant is classified as Likely pathogenic. Following criteria are met: 0102 - Loss of function is a known mechanism of disease in this gene and is associated with dilated cardiomyopathy (MONDO:0005021), NRAP-related (PMID: 33534821). (I) 0106 - This gene is associated with autosomal recessive disease. (I) 0211 - Canonical splice site variant without proven consequence on splicing (no functional evidence available). (SP) 0252 - This variant is homozygous. (I) 0301 - Variant is absent from gnomAD (v2, v3 and v4). (SP) 0311 - Multiple alternative nucleotide changes at the same canonical splice site are present in gnomad (v4) (highest allele count: 2 heterozygotes, 0 homozygotes). (I) 0505 - Abnormal splicing is predicted by in silico tools and affected nucleotide is highly conserved. (SP) 0705 - No comparable canonical splice variants have previous evidence for pathogenicity. (I) 0807 - This variant has no previous evidence of pathogenicity. (I) 0905 - No published segregation evidence has been identified for this variant. (I) 1007 - No published functional evidence has been identified for this variant. (I) 1209 - This variant has been shown to be both maternally and paternally inherited (biallelic, by trio analysis). (I) Legend: (SP) - Supporting pathogenic, (I) - Information, (SB) - Supporting benign

Literature cited by the submitters: PubMed 33534821.

NM_198060.4(NRAP):c.3301-2A>G

Gene: NRAP (nebulin related anchoring protein; minus strand). Cytogenetic location: 10q25.3.
Variant type: single nucleotide variant.
Coding change: c.3301-2A>G on transcript NM_198060.4 (MANE Select); the canonical splice acceptor site of the intron before coding-DNA position 3301, A replaced by G.
Molecular consequence: splice acceptor variant.
Genome position (GRCh38, 1-based): chr10:113,612,433, T>C on the plus strand (A>G on the coding strand, the complement: NRAP is on the minus strand). VCF-style: chr10-113612433-T-C. GRCh37 (hg19) VCF-style: chr10-115372192-T-C.
Other names: c.3196-2A>G (NM_006175.5); c.3193-2A>G (NM_001322945.2); c.3301-2A>G (NM_001261463.2).
Identifiers: ClinVar variation 1699323 (VCV001699323.4), dbSNP rs2133935229, ClinGen allele CA378439008.